The following is an entry in ClinVar:

NM_007055.4(POLR3A):c.978G>T (p.Ser326=)

Gene: POLR3A (RNA polymerase III subunit A; minus strand). Cytogenetic location: 10q22.3.
Variant type: single nucleotide variant.
Coding change: c.978G>T on transcript NM_007055.4 (MANE Select); coding-DNA position 978, G replaced by T.
Protein change: p.Ser326=; no amino-acid change (serine 326 retained).
Molecular consequence: synonymous variant.
Genome position (GRCh38, 1-based): chr10:78,021,930, C>A on the plus strand (G>T on the coding strand, the complement: POLR3A is on the minus strand). VCF-style: chr10-78021930-C-A. GRCh37 (hg19) VCF-style: chr10-79781688-C-A.
Identifiers: ClinVar variation 3778201 (VCV003778201.8).

ClinVar aggregate classification (germline): Likely benign. Review status: criteria provided, multiple submitters, no conflicts (2 of 4 stars). 2 submissions from 2 submitters: Likely benign (2). Last evaluated 2025-03-01.

gnomAD v4.1: 7 of 1,614,094 alleles (0.00043%); highest among the groups gnomAD compares: Non-Finnish European, 0.00059%; no homozygotes.

Submissions (2):

CeGaT Center for Human Genetics Tuebingen
Classification: Likely benign. Last evaluated: 2025-03-01. Review status: criteria provided, single submitter. Criteria: CeGaT Center For Human Genetics Tuebingen Variant Classification Criteria Version 2. Collection method: clinical testing. Allele origin: germline. Affected: yes. Observed: 1 variant allele.
Comment: POLR3A: BP4, BP7

Blueprint Genetics
Classification: Likely benign. Last evaluated: 2024-08-23. Review status: criteria provided, single submitter. Criteria: ACMG Guidelines, 2015. Collection method: clinical testing. Allele origin: germline.